The following is an entry in ClinVar:

ClinVar aggregate classification (germline): Uncertain significance (1 of 4 stars; one submission).

gnomAD v4.1: 3 of 1,509,804 alleles (0.0002%); highest among the groups gnomAD compares: Non-Finnish European, 0.00026%; no homozygotes.

Submission:

Labcorp Genetics (formerly Invitae), Labcorp
Classification: Uncertain significance. Last evaluated: 2025-10-23. Review status: criteria provided, single submitter. Criteria: Invitae Variant Classification Sherloc (09022015). Collection method: clinical testing. Allele origin: germline.
Comment: This sequence change replaces proline, which is neutral and non-polar, with glutamine, which is neutral and polar, at codon 4 of the CELSR2 protein (p.Pro4Gln). This variant is not present in population databases (gnomAD no frequency). This variant has not been reported in the literature in individuals affected with CELSR2-related conditions. An algorithm developed to predict the effect of missense changes on protein structure and function outputs the following: PolyPhen-2: "Not Available". The glutamine amino acid residue is found in multiple mammalian species, which suggests that this missense change does not adversely affect protein function. In summary, the available evidence is currently insufficient to determine the role of this variant in disease. Therefore, it has been classified as a Variant of Uncertain Significance.

NM_001408.3(CELSR2):c.11C>A (p.Pro4Gln)

Gene: CELSR2 (cadherin EGF LAG seven-pass G-type receptor 2; plus strand). Cytogenetic location: 1p13.3.
Variant type: single nucleotide variant.
Coding change: c.11C>A on transcript NM_001408.3 (MANE Select); coding-DNA position 11, C replaced by A.
Protein change: p.Pro4Gln; replaces proline 4 with glutamine.
Molecular consequence: missense variant.
Genome position (GRCh38, 1-based): chr1:109,250,090, C>A. VCF-style: chr1-109250090-C-A. GRCh37 (hg19) VCF-style: chr1-109792712-C-A.
Other names: short protein forms P4Q.
Identifiers: ClinVar variation 4778985 (VCV004778985.1).